The following is an entry in ClinVar:

NM_016138.5(COQ7):c.8G>T (p.Cys3Phe)

Genes: COQ7 (coenzyme Q7, hydroxylase; plus strand), COQ7-DT (COQ7 divergent transcript; minus strand), LOC130058587 (ATAC-STARR-seq lymphoblastoid silent region 7240; plus strand). Cytogenetic location: 16p12.3.
Variant type: single nucleotide variant.
Coding change: c.8G>T on transcript NM_016138.5 (MANE Select); coding-DNA position 8, G replaced by T.
Protein change: p.Cys3Phe; replaces cysteine 3 with phenylalanine.
Molecular consequence: missense variant. On other transcripts: non-coding transcript variant (5).
Genome position (GRCh38, 1-based): chr16:19,067,672, G>T. VCF-style: chr16-19067672-G-T. GRCh37 (hg19) VCF-style: chr16-19078994-G-T.
Other names: c.8G>T, p.Cys3Phe (NM_001370490.1); short protein forms C3F.
Identifiers: ClinVar variation 1900546 (VCV001900546.5), dbSNP rs769157296, ClinGen allele CA394916960.

ClinVar aggregate classification (germline): Uncertain significance (1 of 4 stars; one submission).

gnomAD v4.1: 1 of 1,612,714 alleles (0.000062%); highest among the groups gnomAD compares: Non-Finnish European, 0.000085%; no homozygotes.

Submission:

Labcorp Genetics (formerly Invitae), Labcorp
Classification: Uncertain significance. Last evaluated: 2022-03-28. Review status: criteria provided, single submitter. Criteria: Invitae Variant Classification Sherloc (09022015). Collection method: clinical testing. Allele origin: germline.
Comment: In summary, the available evidence is currently insufficient to determine the role of this variant in disease. Therefore, it has been classified as a Variant of Uncertain Significance. Algorithms developed to predict the effect of missense changes on protein structure and function are either unavailable or do not agree on the potential impact of this missense change (SIFT: "Tolerated"; PolyPhen-2: "Probably Damaging"; Align-GVGD: "Class C0"). This variant has not been reported in the literature in individuals affected with COQ7-related conditions. This variant is not present in population databases (gnomAD no frequency). This sequence change replaces cysteine, which is neutral and slightly polar, with phenylalanine, which is neutral and non-polar, at codon 3 of the COQ7 protein (p.Cys3Phe).